The following is an entry in ClinVar:

NM_152703.5(SAMD9L):c.2278A>G (p.Lys760Glu)

Gene: SAMD9L (sterile alpha motif domain containing 9 like; minus strand). Cytogenetic location: 7q21.2.
Variant type: single nucleotide variant.
Coding change: c.2278A>G on transcript NM_152703.5 (MANE Select); coding-DNA position 2278, A replaced by G.
Protein change: p.Lys760Glu; replaces lysine 760 with glutamic acid.
Molecular consequence: missense variant.
Genome position (GRCh38, 1-based): chr7:93,133,694, T>C on the plus strand (A>G on the coding strand, the complement: SAMD9L is on the minus strand). VCF-style: chr7-93133694-T-C. GRCh37 (hg19) VCF-style: chr7-92763007-T-C.
Other names: c.2278A>G, p.Lys760Glu (NM_001303496.3, NM_001303497.3, NM_001303498.3 and 5 more transcripts); c.2278A>G (NM_152703.2); short protein forms K760E.
Identifiers: ClinVar variation 3654720 (VCV003654720.3).
Genomic context (GRCh38, chr7:93,133,694, plus strand): 5'-GCTCTGCAATTTCTGCAAAATCAGTTGTCTTGTTTTTTAACACAGCACATCTGAAGTTTT[T>C]CTTTAAGTCCCAGAGAACATGCATAGCCAGTGTGGTACCTCCACAGCCTGGATGATGATA-3'
Protein context (NP_689916.2, residues 750-770): LAMHVLWDLK[Lys760Glu]NFRCAVLKNK

ClinVar aggregate classification (germline): Uncertain significance. Review status: criteria provided, multiple submitters, no conflicts (2 of 4 stars). 2 submissions from 2 submitters: Uncertain significance (2). Last evaluated 2025-08-23.

Conditions:
Inborn genetic diseases. Identifiers: MedGen C0950123, MeSH D030342.

gnomAD v4.1: 8 of 1,613,594 alleles (0.0005%); highest among the groups gnomAD compares: Middle Eastern, 0.083%; no homozygotes.

Submissions (2):

Ambry Genetics
Classification: Uncertain significance for Inborn genetic diseases. Last evaluated: 2025-08-23. Review status: criteria provided, single submitter. Criteria: Ambry Variant Classification Scheme 2023. Collection method: clinical testing. Allele origin: germline.
Comment: The p.K760E variant (also known as c.2278A>G), located in coding exon 1 of the SAMD9L gene, results from an A to G substitution at nucleotide position 2278. The lysine at codon 760 is replaced by glutamic acid, an amino acid with similar properties. This amino acid position is conserved. In addition, this alteration is predicted to be tolerated by in silico analysis. Based on the available evidence, the clinical significance of this variant remains unclear.

Labcorp Genetics (formerly Invitae), Labcorp
Classification: Uncertain significance. Last evaluated: 2024-06-02. Review status: criteria provided, single submitter. Criteria: Invitae Variant Classification Sherloc (09022015). Collection method: clinical testing. Allele origin: germline.
Comment: This sequence change replaces lysine, which is basic and polar, with glutamic acid, which is acidic and polar, at codon 760 of the SAMD9L protein (p.Lys760Glu). This variant is not present in population databases (gnomAD no frequency). This variant has not been reported in the literature in individuals affected with SAMD9L-related conditions. Advanced modeling of protein sequence and biophysical properties (such as structural, functional, and spatial information, amino acid conservation, physicochemical variation, residue mobility, and thermodynamic stability) performed at Invitae indicates that this missense variant is not expected to disrupt SAMD9L protein function with a negative predictive value of 80%. In summary, the available evidence is currently insufficient to determine the role of this variant in disease. Therefore, it has been classified as a Variant of Uncertain Significance.